The following continues an entry in ClinVar:

NM_007294.4(BRCA1):c.5059GTT[1] (p.Val1688del)

Gene: BRCA1. ClinVar aggregate classification (germline): Pathogenic. Pathogenic (1).

Submissions 9 to 18 of 18:

Quest Diagnostics Nichols Institute San Juan Capistrano
Classification: Pathogenic. Last evaluated: 2022-09-08. Review status: criteria provided, single submitter. Criteria: Quest Diagnostics criteria. Collection method: clinical testing. Allele origin: unknown. Not counted in ClinVar's aggregate classification.
Comment: The frequency of this variant in the general population, 0.0000066 (1/152162 chromosomes), is uninformative in assessment of its pathogenicity. In the published literature, the variant has been reported in individuals with hereditary breast and ovarian cancer (PMID: 11157798 (2001), 18165637 (2008), 18821011 (2009), 19706752 (2009), 22425665 (2012), 26306726 (2015), 27153395 (2016)). In functional studies, the variant has been found to be damaging to transcriptional activity (PMID: 11157798 (2001)), damaging to stability, interaction with other proteins, and HDR activity (PMID: 19706752 (2009), and damaging in mouse embryonic stem cells and cisplatin response (PMID: 23867111 (2013)). Reputable multifactorial analyses have also indicated causality of this variant to disease (PMID: 17924331 (2007), 21990134 (2012), 31131967 (2019)). Based on the available information, this variant is classified as pathogenic.

Women's Health and Genetics/Laboratory Corporation of America, LabCorp
Classification: Pathogenic for Hereditary breast and ovarian cancer syndrome. Last evaluated: 2019-12-24. Review status: criteria provided, single submitter. Criteria: LabCorp Variant Classification Summary - May 2015. Collection method: clinical testing. Allele origin: germline. Not counted in ClinVar's aggregate classification.
Comment: Variant summary: BRCA1 c.5062_5064delGTT (p.Val1688del) results in an in-frame deletion that is predicted to remove one conserved hydrophobic residue (Valine) from the encoded protein and located in beta3 in the BRCT-N domain (Vallon-Christersson_2001). The variant was absent in 251360 control chromosomes (gnomAD). c.5062_5064delGTT has been reported in the literature in multiple individuals affected with breast and/or ovarian cancer (Vallon-Christersson_2001, Malacrida_2008, De Nicolo_2009). In addition, this variant was co-segregated with disease in multiple families (Malacrida_2008, De Nicolo_2009). These data indicate that the variant is very likely to be associated with disease. Functional studies reports this variant affects protein stability, DNA damage response, association with BRCA1 partner proteins and transcriptional activity (Vallon-Christersson_2001, De Nicolo_2009). Seven ClinVar submitters (evaluation after 2014) cite the variant as pathogenic. Based on the evidence outlined above, the variant was classified as pathogenic.

Mendelics
Classification: Pathogenic for Breast-ovarian cancer, familial, susceptibility to, 1. Last evaluated: 2019-05-28. Review status: criteria provided, single submitter. Criteria: Mendelics Assertion Criteria 2017. Collection method: clinical testing. Allele origin: unknown. Not counted in ClinVar's aggregate classification.

GeneDx
Classification: Pathogenic. Last evaluated: 2017-08-18. Review status: criteria provided, single submitter. Criteria: GeneDx Variant Classification (06012015). Collection method: clinical testing. Allele origin: germline. Affected: yes. Not counted in ClinVar's aggregate classification.
Comment: This in-frame deletion of three nucleotides in BRCA1 is denoted c.5062_5064delGTT at the cDNA level and p.Val1688del (V1688del) at the protein level. Using alternate nomenclature, this variant would be defined as BRCA1 5181_5183delGTT or c.5062_5064del. The normal sequence, with the bases that are deleted in braces, is TGTT[GTT]ATGA. This deletion of a single Valine residue occurs at a position where amino acids with properties similar to Valine are tolerated across species and is located within the BRCT1 domain (Narod 2004). BRCA1 Val1688del has been observed in familial breast and/or ovarian cancer cases (Montagna 1996, Malacrida 2008, Tazzite 2012) and was strongly predicted by Lindor et al. (2012) to be pathogenic based on tumor pathology, clinical histories, family studies, and co-occurrence with deleterious variants. Functional studies by Bouwman et al. (2013) have suggested that BRCA1 Val1688del is pathogenic based on its inability to rescue the proliferation defect in BRCA1 deficient mouse embryonic stem cells and a statistically significant increase in sensitivity to cisplatin compared to controls. Additional functional assessments have demonstrated that BRCA1 Val1688del disrupts interactions with known partner proteins (De Nicolo 2009) and causes deficient transactivation activity (Vallon-Christersson 2001). We consider this variant to be pathogenic.

Consortium of Investigators of Modifiers of BRCA1/2 (CIMBA), c/o University of Cambridge
Classification: Pathogenic for Breast-ovarian cancer, familial, susceptibility to, 1. Last evaluated: 2015-10-02. Review status: criteria provided, single submitter. Criteria: CIMBA Mutation Classification guidelines May 2016. Collection method: clinical testing. Allele origin: germline. Not counted in ClinVar's aggregate classification.

Fulgent Genetics
Classification: Pathogenic for Breast-ovarian cancer, familial, susceptibility to, 1. Last evaluated: 2015-08-07. Review status: criteria provided, single submitter. Criteria: ACMG Guidelines, 2015. Collection method: clinical testing. Allele origin: unknown. Inheritance: Autosomal dominant inheritance. Not counted in ClinVar's aggregate classification.

Research Molecular Genetics Laboratory, Women's College Hospital, University of Toronto
Classification: Uncertain significance. Last evaluated: 2014-01-31. Review status: no assertion criteria provided. Collection method: research. Allele origin: germline. Affected: yes. Study: The Canadian Open Genetics Repository (COGR). Not counted in ClinVar's aggregate classification.

Breast Cancer Information Core (BIC) (BRCA1)
Classification: Uncertain significance for Breast-ovarian cancer, familial 1. Last evaluated: 2002-05-29. Review status: no assertion criteria provided. Collection method: clinical testing. Allele origin: germline. Affected: yes. Observed: 8 variant alleles. Not counted in ClinVar's aggregate classification.

Department of Pathology and Laboratory Medicine, Sinai Health System
Classification: Pathogenic for Breast-ovarian cancer, familial, susceptibility to, 1. Review status: no assertion criteria provided. Collection method: clinical testing. Allele origin: unknown. Affected: yes. Observed: 1 variant allele. Study: The Canadian Open Genetics Repository (COGR). Not counted in ClinVar's aggregate classification.
Comment: The BRCA1 p.Val1688del is an in-frame deletion variant and was identified in 9 of 122 proband chromosomes (frequency: 0.074) from individuals or families of Italian descent with breast and ovarian cancer (Ramunas-Janavicius 2010). The variant was also identified in dbSNP (ID: rs80358344) a â€šÃ„ÃºWith Pathogenic alleleâ€šÃ„Ã¹; ClinVar and Clinvitae databases (Pathogenic by Ambry Genetics, GeneDx and Uncertain significance by Breast Cancer Information Core (BIC)); ARUP Laboratories BRCA Mutations Database (1X Definitely pathogenic); COGR database (unknown significance by MESHWCRI and likely pathogenic by CVH); BIC database (6X with unknown clinical importance); The variant occurs outside of the splicing consensus sequence and 1 of 5 in silico or computational prediction software programs (SpliceSiteFinder, MaxEntScan, NNSPLICE, GeneSplicer, HumanSpliceFinder) predict altered splicing; this is not very predictive of pathogenicity. Several functional and co-segregation studies provide evidence that the p.Val1688del is deleterious. Using multi modal analysis approach, comprising comparative structural modeling, analysis of protein stability and associations, and analysis of DNA repair function, predicted BRCT domain destabilization and folding disruption caused by BRCA1 p.V1688del. Consistently, the recombinant delta ValBRCA1 was less stable than wtBRCA1 and, unlike the latter, failed to associate with BRIP1, CtIP, and Rap80, and to re-localize to sites of DNA damage. Yeast two-hybrid analysis revealed a compromised interaction with FHL2 and with KPNA2, which is likely responsible for improper subcellular localization of delta ValBRCA1. They concluded the variant is deleterious impairing protein stability and function (DeNicolo 2009). An analysis, integrating five independent evidences of disease causality including segregation, tumor pathology, and evolutionary and epidemiologic data, a final score of 349,000:1 in favor of disease causality was obtained. In one family the variant co-segregated with 6/6 breast cancer affected sisters and was not found in 2 healthy sisters who had not inherited the variant. In another family all affected members carried the mutation including a maternal aunt with cervical cancer (Malacrida 2008). Several lines of evidence have suggested that BRCA1 as a transcription regulator and it has been demonstrated that disease-associated mutations abolish the transactivation by BRCA1 in different experimental systems. The V1688del variant displayed loss of activity suggesting that it represents a cancer-associated mutation (Vallon-Christersson 2001). In summary, based on the above information, this variant meets our laboratoryâ€šÃ„Ã´s criteria to be classified as pathogenic.

Medical Genetics, Medical University Pleven
Classification: Pathogenic for Breast-ovarian cancer, familial, susceptibility to, 1. Review status: no assertion criteria provided. Collection method: research. Allele origin: germline. Inheritance: Autosomal dominant inheritance. Affected: yes. Not counted in ClinVar's aggregate classification.

Literature cited by the submitters: PubMed 31131967 (cited by 4 submitters); PubMed 32546644 (cited by Hema, HEMA – Genetic and Molecular Diagnostic Laboratory and Dasa); PubMed 17924331 (cited by 5 submitters); PubMed 18165637 (cited by 6 submitters); PubMed 8968102 (cited by 4 submitters); PubMed 18703817 (cited by Labcorp Genetics (formerly Invitae), Labcorp); PubMed 18821011 (cited by 3 submitters); PubMed 19706752 (cited by 5 submitters); PubMed 23697973 (cited by Labcorp Genetics (formerly Invitae), Labcorp); PubMed 25814778 (cited by 3 submitters); PubMed 26306726 (cited by 5 submitters); PubMed 11157798 (cited by 5 submitters); PubMed 23867111 (cited by 3 submitters); PubMed 21990134 (cited by Dasa and Quest Diagnostics Nichols Institute San Juan Capistrano); PubMed 22425665 (cited by 4 submitters); PubMed 27153395 (cited by 4 submitters); PubMed 18951446 (cited by Dasa); PubMed 21447777 (cited by 4 submitters); PubMed 15235020 (cited by Ambry Genetics and Quest Diagnostics Nichols Institute San Juan Capistrano); PubMed 18757339 (cited by Ambry Genetics); PubMed 21673748 (cited by Ambry Genetics and Quest Diagnostics Nichols Institute San Juan Capistrano); PubMed 22505045 (cited by Ambry Genetics).